The following is an entry in ClinVar:

ClinVar aggregate classification (germline): Uncertain significance (1 of 4 stars; one submission).

Conditions:
Cardiovascular phenotype. Identifiers: MedGen CN230736.

Submission:

Ambry Genetics
Classification: Uncertain significance for Cardiovascular phenotype. Last evaluated: 2023-09-14. Review status: criteria provided, single submitter. Criteria: Ambry Variant Classification Scheme 2023. Collection method: clinical testing. Allele origin: germline.
Comment: Does not currently meet published gene-disease clinical validity criteria Based on insufficient or conflicting evidence, the clinical significance of this alteration remains unclear.

Literature cited by the submitters: PubMed 28106320.

NM_006514.4(SCN10A):c.3118_3130delinsCCAGGCACTGGAACATCTTC (p.Gly1040fs)

Genes: SCN10A (sodium voltage-gated channel alpha subunit 10; minus strand), LOC110121288 (VISTA enhancer hs2268; plus strand). Cytogenetic location: 3p22.2.
Variant type: Indel.
Coding change: c.3118_3130delinsCCAGGCACTGGAACATCTTC on transcript NM_006514.4 (MANE Select); coding-DNA positions 3118 to 3130, GGGGACCACCTGA replaced by CCAGGCACTGGAACATCTTC.
Protein change: p.Gly1040fs; shifts the reading frame from glycine 1040.
Molecular consequence: frameshift variant.
Genome position (GRCh38, 1-based): chr3:38,725,272-38,725,284, TCAGGTGGTCCCC replaced by GAAGATGTTCCAGTGCCTGG on the plus strand (GGGGACCACCTGA replaced by CCAGGCACTGGAACATCTTC on the coding strand, the reverse complement: SCN10A is on the minus strand). GRCh37 (hg19): chr3:38,766,763-38,766,775.
Other names: c.3115_3127delinsCCAGGCACTGGAACATCTTC, p.Gly1039fs (NM_001293306.2); c.2824_2836delinsCCAGGCACTGGAACATCTTC, p.Gly942fs (NM_001293307.2); short protein forms G942fs, G1039fs, G1040fs.
Identifiers: ClinVar variation 2622236 (VCV002622236.2), dbSNP rs2126000030, ClinGen allele CA2582342849.